The following is an entry in ClinVar:

ClinVar aggregate classification (germline): Uncertain significance. Review status: criteria provided, multiple submitters, no conflicts (2 of 4 stars). 2 submissions from 2 submitters: Uncertain significance (2). Last evaluated 2025-11-19.

Conditions:
Inborn genetic diseases. Identifiers: MedGen C0950123, MeSH D030342.

Allele frequency attached by ClinVar (database versions not stated): TOPMed 0.00001; gnomAD 0.00002; gnomAD exomes 0.00002 and 0.00006.
gnomAD v4.1: 86 of 1,614,078 alleles (0.0053%); highest among the groups gnomAD compares: Non-Finnish European, 0.007%; no homozygotes.

Submissions (2):

Ambry Genetics
Classification: Uncertain significance for Inborn genetic diseases. Last evaluated: 2025-11-19. Review status: criteria provided, single submitter. Criteria: Ambry Variant Classification Scheme 2023. Collection method: clinical testing. Allele origin: germline.
Comment: The c.842A>G (p.H281R) alteration is located in exon 8 (coding exon 7) of the PPOX gene. This alteration results from a A to G substitution at nucleotide position 842, causing the histidine (H) at amino acid position 281 to be replaced by an arginine (R). Based on data from gnomAD, the G allele has an overall frequency of 0.003% (7/282900) total alleles studied. The highest observed frequency was 0.005% (6/129200) of European (non-Finnish) alleles. Based on insufficient or conflicting evidence, the clinical significance of this alteration remains unclear.

Labcorp Genetics (formerly Invitae), Labcorp
Classification: Uncertain significance. Last evaluated: 2020-04-27. Review status: criteria provided, single submitter. Criteria: Invitae Variant Classification Sherloc (09022015). Collection method: clinical testing. Allele origin: germline.
Comment: In summary, the available evidence is currently insufficient to determine the role of this variant in disease. Therefore, it has been classified as a Variant of Uncertain Significance. Algorithms developed to predict the effect of missense changes on protein structure and function are either unavailable or do not agree on the potential impact of this missense change (SIFT: "Deleterious"; PolyPhen-2: "Probably Damaging"; Align-GVGD: "Class C0"). This variant has been observed in individual(s) with acute hepatic porphyria (Invitae). This variant is not present in population databases (ExAC no frequency). This sequence change replaces histidine with arginine at codon 281 of the PPOX protein (p.His281Arg). The histidine residue is moderately conserved and there is a small physicochemical difference between histidine and arginine.

NM_001122764.3(PPOX):c.842A>G (p.His281Arg)

Gene: PPOX (protoporphyrinogen oxidase; plus strand). Cytogenetic location: 1q23.3.
Variant type: single nucleotide variant.
Coding change: c.842A>G on transcript NM_001122764.3 (MANE Select); coding-DNA position 842, A replaced by G.
Protein change: p.His281Arg; replaces histidine 281 with arginine.
Molecular consequence: missense variant.
Genome position (GRCh38, 1-based): chr1:161,169,694, A>G. VCF-style: chr1-161169694-A-G. GRCh37 (hg19) VCF-style: chr1-161139484-A-G.
Other names: c.842A>G, p.His281Arg (NM_000309.5, NM_001365398.1, NM_001365399.1); c.743A>G, p.His248Arg (NM_001350128.2); c.434A>G, p.His145Arg (NM_001350129.2, NM_001365400.1); c.356A>G, p.His119Arg (NM_001350130.2, NM_001350131.2, NM_001365401.1); c.842A>G (NM_000309.3); short protein forms H145R, H248R, H281R, H119R.
Identifiers: ClinVar variation 1039163 (VCV001039163.9), dbSNP rs1288034269, ClinGen allele CA343356013.